The following is an entry in ClinVar:

ClinVar aggregate classification (germline): Uncertain significance (1 of 4 stars; one submission).

Submission:

Labcorp Genetics (formerly Invitae), Labcorp
Classification: Uncertain significance. Last evaluated: 2022-07-18. Review status: criteria provided, single submitter. Criteria: Invitae Variant Classification Sherloc (09022015). Collection method: clinical testing. Allele origin: germline.
Comment: This variant is not present in population databases (gnomAD no frequency). In summary, the available evidence is currently insufficient to determine the role of this variant in disease. Therefore, it has been classified as a Variant of Uncertain Significance. Algorithms developed to predict the effect of sequence changes on RNA splicing suggest that this variant may create or strengthen a splice site. This variant has not been reported in the literature in individuals affected with ADSSL1-related conditions. This sequence change affects codon 104 of the ADSSL1 mRNA. It is a 'silent' change, meaning that it does not change the encoded amino acid sequence of the ADSSL1 protein.

NM_152328.5(ADSS1):c.193-4816A>T

Gene: ADSS1 (adenylosuccinate synthase 1; plus strand). Cytogenetic location: 14q32.33.
Variant type: single nucleotide variant.
Coding change: c.193-4816A>T on transcript NM_152328.5 (MANE Select); 4816 bases into the intron before coding-DNA position 193, A replaced by T.
Molecular consequence: intron variant. On other transcripts: 5 prime UTR variant (1), synonymous variant (1).
Genome position (GRCh38, 1-based): chr14:104,730,204, A>T. VCF-style: chr14-104730204-A-T. GRCh37 (hg19) VCF-style: chr14-105196541-A-T.
Other names: c.-416A>T (NM_001320424.1); c.312A>T, p.Gly104= (NM_199165.2).
Identifiers: ClinVar variation 1955363 (VCV001955363.5), dbSNP rs1890871419, ClinGen allele CA488717013.